The following is an entry in ClinVar:

ClinVar aggregate classification (germline): Uncertain significance (1 of 4 stars; one submission).

Conditions:
Alstrom syndrome (ALMS). Identifiers: Orphanet 64, MedGen C0268425, MONDO:0008763, OMIM 203800.

Allele frequency attached by ClinVar (database versions not stated): TOPMed 0.00002.
gnomAD v4.1: 13 of 1,559,470 alleles (0.00083%); highest among the groups gnomAD compares: Non-Finnish European, 0.00095%; no homozygotes.

Submission:

Labcorp Genetics (formerly Invitae), Labcorp
Classification: Uncertain significance for Alstrom syndrome. Last evaluated: 2024-12-02. Review status: criteria provided, single submitter. Criteria: Invitae Variant Classification Sherloc (09022015). Collection method: clinical testing. Allele origin: germline.
Comment: This sequence change replaces glutamic acid, which is acidic and polar, with aspartic acid, which is acidic and polar, at codon 46 of the ALMS1 protein (p.Glu46Asp). This variant is present in population databases (rs765418565, gnomAD 0.006%). This variant has not been reported in the literature in individuals affected with ALMS1-related conditions. ClinVar contains an entry for this variant (Variation ID: 2184062). Experimental studies and prediction algorithms are not available or were not evaluated, and the functional significance of this variant is currently unknown. In summary, the available evidence is currently insufficient to determine the role of this variant in disease. Therefore, it has been classified as a Variant of Uncertain Significance.

NM_001378454.1(ALMS1):c.135G>T (p.Glu45Asp)

Gene: ALMS1 (ALMS1 centrosome and basal body associated protein; plus strand). Cytogenetic location: 2p13.1.
Variant type: single nucleotide variant.
Coding change: c.135G>T on transcript NM_001378454.1 (MANE Select); coding-DNA position 135, G replaced by T.
Protein change: p.Glu45Asp; replaces glutamic acid 45 with aspartic acid.
Molecular consequence: missense variant.
Genome position (GRCh38, 1-based): chr2:73,386,003, G>T. VCF-style: chr2-73386003-G-T. GRCh37 (hg19) VCF-style: chr2-73613131-G-T.
Other names: c.138G>T, p.Glu46Asp (NM_015120.4); short protein forms E45D, E46D.
Identifiers: ClinVar variation 2184062 (VCV002184062.2), dbSNP rs765418565, ClinGen allele CA1712748.